The following is an entry in ClinVar:

NM_004562.3(PRKN):c.205A>G (p.Ile69Val)

Gene: PRKN (parkin RBR E3 ubiquitin protein ligase; minus strand). Cytogenetic location: 6q26.
Variant type: single nucleotide variant.
Coding change: c.205A>G on transcript NM_004562.3 (MANE Select); coding-DNA position 205, A replaced by G.
Protein change: p.Ile69Val; replaces isoleucine 69 with valine.
Molecular consequence: missense variant. On other transcripts: intron variant (1).
Genome position (GRCh38, 1-based): chr6:162,262,732, T>C on the plus strand (A>G on the coding strand, the complement: PRKN is on the minus strand). VCF-style: chr6-162262732-T-C. GRCh37 (hg19) VCF-style: chr6-162683764-T-C.
Other names: c.205A>G, p.Ile69Val (NM_013987.3); c.171+180578A>G (NM_013988.3); short protein forms I69V.
Identifiers: ClinVar variation 961815 (VCV000961815.10), dbSNP rs766391627, ClinGen allele CA4090452.

ClinVar aggregate classification (germline): Uncertain significance. Review status: criteria provided, multiple submitters, no conflicts (2 of 4 stars). 2 submissions from 2 submitters: Uncertain significance (2). Last evaluated 2023-08-30.

Allele frequency attached by ClinVar (database versions not stated): gnomAD 0.00001; TOPMed 0.00001; gnomAD exomes 0.00002 and 0.00003; ExAC 0.00005.
gnomAD v4.1: 24 of 1,602,644 alleles (0.0015%); highest among the groups gnomAD compares: South Asian, 0.019%; no homozygotes.

Submissions (2):

Women's Health and Genetics/Laboratory Corporation of America, LabCorp
Classification: Uncertain significance. Last evaluated: 2023-08-30. Review status: criteria provided, single submitter. Criteria: LabCorp Variant Classification Summary - May 2015. Collection method: clinical testing. Allele origin: germline.
Comment: Variant summary: PARK2 c.205A>G (p.Ile69Val) results in a conservative amino acid change located in the Ubiquitin-like domain (IPR000626) of the encoded protein sequence. Four of five in-silico tools predict a benign effect of the variant on protein function. The variant allele was found at a frequency of 2.8e-05 in 250496 control chromosomes (gnomAD). The available data on variant occurrences in the general population are insufficient to allow any conclusion about variant significance. To our knowledge, no occurrence of c.205A>G in individuals affected with Autosomal Recessive Juvenile Parkinson Disease 2 and no experimental evidence demonstrating its impact on protein function have been reported. One submitter has cited clinical-significance assessments for this variant to ClinVar after 2014 and has classified the variant as uncertain significance. Based on the evidence outlined above, the variant was classified as uncertain significance.

Labcorp Genetics (formerly Invitae), Labcorp
Classification: Uncertain significance. Last evaluated: 2019-09-18. Review status: criteria provided, single submitter. Criteria: Invitae Variant Classification Sherloc (09022015). Collection method: clinical testing. Allele origin: germline.
Comment: In summary, the available evidence is currently insufficient to determine the role of this variant in disease. Therefore, it has been classified as a Variant of Uncertain Significance. Algorithms developed to predict the effect of missense changes on protein structure and function output the following: SIFT: "Tolerated"; PolyPhen-2: "Benign"; Align-GVGD: "Class C0". The valine amino acid residue is found in multiple mammalian species, suggesting that this missense change does not adversely affect protein function. These predictions have not been confirmed by published functional studies and their clinical significance is uncertain. This variant has not been reported in the literature in individuals with PRKN-related conditions. This variant is present in population databases (rs766391627, ExAC 0.02%). This sequence change replaces isoleucine with valine at codon 69 of the PRKN protein (p.Ile69Val). The isoleucine residue is moderately conserved and there is a small physicochemical difference between isoleucine and valine.